The following is an entry in ClinVar:

NM_001916.5(CYC1):c.327-4C>G

Gene: CYC1 (cytochrome c1; plus strand). Cytogenetic location: 8q24.3.
Variant type: single nucleotide variant.
Coding change: c.327-4C>G on transcript NM_001916.5 (MANE Select); 4 bases into the intron before coding-DNA position 327, C replaced by G.
Molecular consequence: intron variant.
Genome position (GRCh38, 1-based): chr8:144,096,120, C>G. VCF-style: chr8-144096120-C-G. GRCh37 (hg19) VCF-style: chr8-145151023-C-G.
Identifiers: ClinVar variation 681927 (VCV000681927.1), dbSNP rs371892448, ClinGen allele CA187616071.

ClinVar aggregate classification (germline): Likely benign (1 of 4 stars; one submission).

Allele frequency attached by ClinVar (database versions not stated): ESP Exome Variant Server 0.00008; TOPMed 0.00003 and 0.00004; gnomAD 0.00004.
gnomAD v4.1: 6 of 1,612,090 alleles (0.00037%); highest among the groups gnomAD compares: African/African-American, 0.008%; no homozygotes.

Submission:

GeneDx
Classification: Likely benign. Last evaluated: 2018-05-03. Review status: criteria provided, single submitter. Criteria: GeneDx Variant Classification (06012015). Collection method: clinical testing. Allele origin: germline. Affected: yes.
Comment: This variant is considered likely benign or benign based on one or more of the following criteria: it is a conservative change, it occurs at a poorly conserved position in the protein, it is predicted to be benign by multiple in silico algorithms, and/or has population frequency not consistent with disease.